The following is an entry in ClinVar:

ClinVar aggregate classification (germline): Likely benign (1 of 4 stars; one submission).

gnomAD v4.1: 48 of 1,563,930 alleles (0.0031%); highest among the groups gnomAD compares: Non-Finnish European, 0.0033%; no homozygotes.

Submission:

CeGaT Center for Human Genetics Tuebingen
Classification: Likely benign. Last evaluated: 2025-10-01. Review status: criteria provided, single submitter. Criteria: CeGaT Center For Human Genetics Tuebingen Variant Classification Criteria Version 2. Collection method: clinical testing. Allele origin: germline. Affected: yes. Observed: 1 variant allele.
Comment: GGN: BP4, BP7

NM_152657.4(GGN):c.1482G>A (p.Pro494=)

Gene: GGN (gametogenetin; minus strand). Cytogenetic location: 19q13.2.
Variant type: single nucleotide variant.
Coding change: c.1482G>A on transcript NM_152657.4 (MANE Select); coding-DNA position 1482, G replaced by A.
Protein change: p.Pro494=; no amino-acid change (proline 494 retained).
Molecular consequence: synonymous variant.
Genome position (GRCh38, 1-based): chr19:38,385,780, C>T on the plus strand (G>A on the coding strand, the complement: GGN is on the minus strand). VCF-style: chr19-38385780-C-T. GRCh37 (hg19) VCF-style: chr19-38876420-C-T.
Identifiers: ClinVar variation 4533970 (VCV004533970.6).